The following is an entry in ClinVar:

ClinVar aggregate classification (germline): Uncertain significance. Review status: criteria provided, multiple submitters, no conflicts (2 of 4 stars). 3 submissions from 3 submitters: Uncertain significance (2). 1 of the submissions does not count toward it. Last evaluated 2025-03-20.

Conditions:
GGCX-related disorder. Also called: GGCX - Related Disorders; GGCX-related condition.
Body skin hyperlaxity due to vitamin K-dependent coagulation factor deficiency (PXECD). Also called: PXE-like disorder; PXE-LIKE DISORDER WITH MULTIPLE COAGULATION FACTOR DEFICIENCY; PSEUDOXANTHOMA ELASTICUM-LIKE DISORDER WITH MULTIPLE COAGULATION FACTOR DEFICIENCY. Identifiers: Orphanet 91135, MedGen C1835813, MONDO:0012570, OMIM 610842.

Allele frequency attached by ClinVar (database versions not stated): gnomAD 0.00006 and 0.00005; TOPMed 0.00006; gnomAD exomes 0.00001; ExAC 0.00003.
gnomAD v4.1: 14 of 1,613,534 alleles (0.00087%); highest among the groups gnomAD compares: African/African-American, 0.019%; no homozygotes.

Submissions (3):

PreventionGenetics, part of Exact Sciences
Classification: Uncertain significance for GGCX-related condition. Last evaluated: 2025-03-20. Review status: criteria provided, single submitter. Criteria: ACMG Guidelines, 2015. Collection method: clinical testing. Allele origin: germline.
Comment: The GGCX c.899C>T variant is predicted to result in the amino acid substitution p.Ser300Phe. This variant has been reported in the compound heterozygous state in two siblings with pseudoxanthoma elasticum-like phenotype (Li et al. 2009. PubMed ID: 18800149). However, their mother and aunt, who both did not carried the p.Ser300Phe variant and had a similar cutaneous phenotype, carried the p.Arg1141* variant in ABCC6 (Li et al. 2009. PubMed ID: 18800149). The c.899C>T variant has also been reported in the heterozygous state in two individuals with pulmonary arterial hypertension (Zhu et al. 2019. PubMed ID: 31727138). This variant is reported in 0.020% of alleles in individuals of African descent in gnomAD. In vitro experimental studies suggest this variant reduces/abolishes carboxylase activity affecting vitamin K epoxidation (Hao et al. 2021. PubMed ID: 33507293; Rishavy et al. 2022. PubMed ID: 35767717). Although we suspect that this variant may be pathogenic, at this time, the clinical significance of this variant is uncertain due to the absence of conclusive functional and genetic evidence.

Labcorp Genetics (formerly Invitae), Labcorp
Classification: Uncertain significance. Last evaluated: 2022-08-09. Review status: criteria provided, single submitter. Criteria: Invitae Variant Classification Sherloc (09022015). Collection method: clinical testing. Allele origin: germline.
Comment: In summary, the available evidence is currently insufficient to determine the role of this variant in disease. Therefore, it has been classified as a Variant of Uncertain Significance. Experimental studies have shown that this missense change affects GGCX function (PMID: 33507293, 34816548). Algorithms developed to predict the effect of missense changes on protein structure and function are either unavailable or do not agree on the potential impact of this missense change (SIFT: "Deleterious"; PolyPhen-2: "Probably Damaging"; Align-GVGD: "Class C0"). ClinVar contains an entry for this variant (Variation ID: 16196). This missense change has been observed in individual(s) with clinical features of GGCX-related conditions (PMID: 18800149). This variant is present in population databases (rs121909684, gnomAD 0.03%). This sequence change replaces serine, which is neutral and polar, with phenylalanine, which is neutral and non-polar, at codon 300 of the GGCX protein (p.Ser300Phe).

OMIM
Classification: Pathogenic for PXE-LIKE DISORDER WITH MULTIPLE COAGULATION FACTOR DEFICIENCY. Last evaluated: 2009-03-01. Review status: no assertion criteria provided. Collection method: literature only. Allele origin: germline. Not counted in ClinVar's aggregate classification.

Literature cited by the submitters: PubMed 33507293 (cited by Labcorp Genetics (formerly Invitae), Labcorp); PubMed 34816548 (cited by Labcorp Genetics (formerly Invitae), Labcorp); PubMed 18800149 (cited by Labcorp Genetics (formerly Invitae), Labcorp and OMIM).

NM_000821.7(GGCX):c.899C>T (p.Ser300Phe)

Gene: GGCX (gamma-glutamyl carboxylase; minus strand). Cytogenetic location: 2p11.2.
Variant type: single nucleotide variant.
Coding change: c.899C>T on transcript NM_000821.7 (MANE Select); coding-DNA position 899, C replaced by T.
Protein change: p.Ser300Phe; replaces serine 300 with phenylalanine.
Molecular consequence: missense variant.
Genome position (GRCh38, 1-based): chr2:85,553,488, G>A on the plus strand (C>T on the coding strand, the complement: GGCX is on the minus strand). VCF-style: chr2-85553488-G-A. GRCh37 (hg19) VCF-style: chr2-85780611-G-A.
Other names: c.728C>T, p.Ser243Phe (NM_001142269.4); c.899C>T (NM_000821.6); short protein forms S300F, S243F.
Identifiers: ClinVar variation 16196 (VCV000016196.10), dbSNP rs121909684, ClinGen allele CA214948.